The following is an entry in ClinVar:

ClinVar aggregate classification (germline): Uncertain significance (1 of 4 stars; one submission).

Conditions:
Neuroblastoma, susceptibility to, 3. Also called: ALK-Related Neuroblastic Tumor Susceptibility. Identifiers: Orphanet 635, MedGen C2751681, MONDO:0013083, OMIM 613014.

Allele frequency attached by ClinVar (database versions not stated): gnomAD exomes below 0.00001.
gnomAD v4.1: 1 of 1,613,796 alleles (0.000062%); highest among the groups gnomAD compares: Non-Finnish European, 0.000085%; no homozygotes.

Submission:

Labcorp Genetics (formerly Invitae), Labcorp
Classification: Uncertain significance for Neuroblastoma, susceptibility to, 3. Last evaluated: 2022-03-09. Review status: criteria provided, single submitter. Criteria: Invitae Variant Classification Sherloc (09022015). Collection method: clinical testing. Allele origin: germline.
Comment: This sequence change replaces methionine, which is neutral and non-polar, with leucine, which is neutral and non-polar, at codon 315 of the ALK protein (p.Met315Leu). This variant is not present in population databases (gnomAD no frequency). This variant has not been reported in the literature in individuals affected with ALK-related conditions. Algorithms developed to predict the effect of missense changes on protein structure and function are either unavailable or do not agree on the potential impact of this missense change (SIFT: "Deleterious"; PolyPhen-2: "Benign"; Align-GVGD: "Class C0"). In summary, the available evidence is currently insufficient to determine the role of this variant in disease. Therefore, it has been classified as a Variant of Uncertain Significance.

NM_004304.5(ALK):c.943A>T (p.Met315Leu)

Gene: ALK (ALK receptor tyrosine kinase; minus strand). Cytogenetic location: 2p23.2.
Variant type: single nucleotide variant.
Coding change: c.943A>T on transcript NM_004304.5 (MANE Select); coding-DNA position 943, A replaced by T.
Protein change: p.Met315Leu; replaces methionine 315 with leucine.
Molecular consequence: missense variant.
Genome position (GRCh38, 1-based): chr2:29,694,859, T>A on the plus strand (A>T on the coding strand, the complement: ALK is on the minus strand). VCF-style: chr2-29694859-T-A. GRCh37 (hg19) VCF-style: chr2-29917725-T-A.
Other names: short protein forms M315L.
Identifiers: ClinVar variation 2108065 (VCV002108065.4), dbSNP rs2148289590, ClinGen allele CA346586827.